The following is an entry in ClinVar:

NM_004380.3(CREBBP):c.2450C>T (p.Thr817Ile)

Gene: CREBBP (CREB binding lysine acetyltransferase; minus strand). Cytogenetic location: 16p13.3.
Variant type: single nucleotide variant.
Coding change: c.2450C>T on transcript NM_004380.3 (MANE Select); coding-DNA position 2450, C replaced by T.
Protein change: p.Thr817Ile; replaces threonine 817 with isoleucine.
Molecular consequence: missense variant.
Genome position (GRCh38, 1-based): chr16:3,773,764, G>A on the plus strand (C>T on the coding strand, the complement: CREBBP is on the minus strand). VCF-style: chr16-3773764-G-A. GRCh37 (hg19) VCF-style: chr16-3823765-G-A.
Other names: c.2336C>T, p.Thr779Ile (NM_001079846.1); c.2450C>T (NM_004380.2); short protein forms T779I, T817I.
Identifiers: ClinVar variation 2103980 (VCV002103980.5), dbSNP rs1467582916, ClinGen allele CA394552740.

ClinVar aggregate classification (germline): Conflicting classifications of pathogenicity. Review status: criteria provided, conflicting classifications (1 of 4 stars). 2 submissions from 2 submitters: Uncertain significance (1); Likely benign (1). Last evaluated 2025-07-15.

Conditions:
CREBBP-related disorder. Also called: CREBBP-related condition; CREBBP-related disorders.
Rubinstein-Taybi syndrome (RSTS). Identifiers: Orphanet 783, MedGen C0035934, MONDO:0019188.

gnomAD v4.1: 1 of 1,614,034 alleles (0.000062%); no homozygotes.

Submissions (2):

PreventionGenetics, part of Exact Sciences
Classification: Uncertain significance for CREBBP-related condition. Last evaluated: 2025-07-15. Review status: criteria provided, single submitter. Criteria: ACMG Guidelines, 2015. Collection method: clinical testing. Allele origin: germline.
Comment: The CREBBP c.2450C>T variant is predicted to result in the amino acid substitution p.Thr817Ile. To our knowledge, this variant has not been reported in the literature. This variant is reported in 0.0033% of alleles in individuals of South Asian descent in gnomAD. At this time, the clinical significance of this variant is uncertain due to the absence of conclusive functional and genetic evidence.

Labcorp Genetics (formerly Invitae), Labcorp
Classification: Likely benign for Rubinstein-Taybi syndrome. Last evaluated: 2022-02-27. Review status: criteria provided, single submitter. Criteria: Invitae Variant Classification Sherloc (09022015). Collection method: clinical testing. Allele origin: germline.